The following is an entry in ClinVar:

ClinVar aggregate classification (germline): Likely benign. Review status: criteria provided, multiple submitters, no conflicts (2 of 4 stars). 3 submissions from 3 submitters: Likely benign (3). Last evaluated 2025-04-20.

Conditions:
Dilated cardiomyopathy 1G (CMD1G). Identifiers: Orphanet 154, MedGen C1858763, MONDO:0011400, OMIM 604145.
Autosomal recessive limb-girdle muscular dystrophy type 2J (LGMDR10). Also called: Limb-girdle muscular dystrophy, type 2J; MUSCULAR DYSTROPHY, LIMB-GIRDLE, AUTOSOMAL RECESSIVE 10. Identifiers: Orphanet 140922, MedGen C1837342, MONDO:0012127, OMIM 608807.

Allele frequency attached by ClinVar (database versions not stated): TOPMed below 0.00001; ExAC 0.00001; gnomAD 0.00002; gnomAD exomes 0.00002 and 0.00003.
gnomAD v4.1: 58 of 1,612,634 alleles (0.0036%); highest among the groups gnomAD compares: Non-Finnish European, 0.0042%; no homozygotes.

Submissions (3):

Labcorp Genetics (formerly Invitae), Labcorp
Classification: Likely benign for Dilated cardiomyopathy 1G; Autosomal recessive limb-girdle muscular dystrophy type 2J. Last evaluated: 2025-04-20. Review status: criteria provided, single submitter. Criteria: Invitae Variant Classification Sherloc (09022015). Collection method: clinical testing. Allele origin: germline.

GeneDx
Classification: Likely benign. Last evaluated: 2017-10-16. Review status: criteria provided, single submitter. Criteria: GeneDx Variant Classification (06012015). Collection method: clinical testing. Allele origin: germline. Affected: yes.
Comment: This variant is considered likely benign or benign based on one or more of the following criteria: it is a conservative change, it occurs at a poorly conserved position in the protein, it is predicted to be benign by multiple in silico algorithms, and/or has population frequency not consistent with disease.

Laboratory for Molecular Medicine, Mass General Brigham Personalized Medicine
Classification: Likely benign. Last evaluated: 2011-12-23. Review status: criteria provided, single submitter. Criteria: LMM Criteria. Collection method: clinical testing. Allele origin: germline. Observed: 2 variant alleles.
Comment: Ser7103Ser in exon 83 of TTN: This variant is not expected to have clinical sign ificance because it does not alter an amino acid residue and is not located with in the splice consensus sequence. Ser7103Ser in exon 83 of TTN (allele frequenc y = n/a)

NM_001267550.2(TTN):c.25041T>C (p.Ser8347=)

Gene: TTN (titin; minus strand). Cytogenetic location: 2q31.2.
Variant type: single nucleotide variant.
Coding change: c.25041T>C on transcript NM_001267550.2 (MANE Select); coding-DNA position 25041, T replaced by C.
Protein change: p.Ser8347=; no amino-acid change (serine 8347 retained).
Molecular consequence: synonymous variant. On other transcripts: intron variant (3).
Genome position (GRCh38, 1-based): chr2:178,717,965, A>G on the plus strand (T>C on the coding strand, the complement: TTN is on the minus strand). VCF-style: chr2-178717965-A-G. GRCh37 (hg19) VCF-style: chr2-179582692-A-G.
Other names: c.13282+20117T>C (NM_003319.4); c.13858+20117T>C (NM_133437.4); c.13657+20117T>C (NM_133432.3); c.24090T>C, p.Ser8030= (NM_001256850.1); c.21309T>C, p.Ser7103= (NM_133378.4).
Identifiers: ClinVar variation 46748 (VCV000046748.12), dbSNP rs397517512, ClinGen allele CA139106.